The following is an entry in ClinVar:

ClinVar aggregate classification (germline): Benign/Likely benign. Review status: criteria provided, multiple submitters, no conflicts (2 of 4 stars). 2 submissions from 2 submitters: Benign (1); Likely benign (1). Last evaluated 2026-08-01.

Conditions:
ITPR3-related disorder. Also called: ITPR3-related condition.

Submissions (2):

CeGaT Center for Human Genetics Tuebingen
Classification: Benign. Last evaluated: 2026-08-01. Review status: criteria provided, single submitter. Criteria: CeGaT Center For Human Genetics Tuebingen Variant Classification Criteria Version 2. Collection method: clinical testing. Allele origin: germline. Affected: yes. Observed: 10 variant alleles.
Comment: ITPR3: PM4:Supporting, BS1, BS2

PreventionGenetics, part of Exact Sciences
Classification: Likely benign for ITPR3-related condition. Last evaluated: 2025-12-15. Review status: criteria provided, single submitter. Criteria: ACMG Guidelines, 2015. Collection method: clinical testing. Allele origin: germline.
Comment: This variant is classified as likely benign based on ACMG/AMP sequence variant interpretation guidelines (Richards et al. 2015 PMID: 25741868, with internal and published modifications).

NM_002224.4(ITPR3):c.6321GGA[3] (p.Glu2111del)

Gene: ITPR3 (inositol 1,4,5-trisphosphate receptor type 3; plus strand). Cytogenetic location: 6p21.31.
Variant type: Microsatellite.
Coding change: c.6321GGA[3] on transcript NM_002224.4 (MANE Select); three copies in a row of the 3-base unit GGA starting at c.6321; the reference has four copies in a row; one copy, 3 bases deleted.
Protein change: p.Glu2111del; deletes glutamic acid 2111.
Molecular consequence: inframe deletion.
Genome position (GRCh38, 1-based): chr6:33,688,122-33,688,124, GGA deleted; deleting any 3 consecutive bases within chr6:33,688,112-33,688,124 gives the same sequence; the position shown is the placement nearest the transcript's 3' end. VCF-style (leftmost placement, unchanged base first): chr6-33688111-CAGG-C. GRCh37 (hg19) VCF-style: chr6-33655888-CAGG-C.
Other names: c.6330_6332delGGA (NM_002224.3); short protein forms E2111del.
Identifiers: ClinVar variation 3387832 (VCV003387832.15).